The following is an entry in ClinVar:

ClinVar aggregate classification (germline): Uncertain significance (1 of 4 stars; one submission).

Submission:

Ambry Genetics
Classification: Uncertain significance. Last evaluated: 2026-06-15. Review status: criteria provided, single submitter. Criteria: Ambry Variant Classification Scheme 2023. Collection method: clinical testing. Allele origin: germline.
Comment: The p.C557Y variant (also known as c.1670G>A), located in coding exon 14 of the A2ML1 gene, results from a G to A substitution at nucleotide position 1670. The cysteine at codon 557 is replaced by tyrosine, an amino acid with highly dissimilar properties. This amino acid position is conserved. In addition, this alteration is predicted to be deleterious by in silico analysis. Based on the available evidence, the clinical significance of this variant remains unclear.

NM_144670.6(A2ML1):c.1670G>A (p.Cys557Tyr)

Gene: A2ML1 (alpha-2-macroglobulin like 1; plus strand). Cytogenetic location: 12p13.31.
Variant type: single nucleotide variant.
Coding change: c.1670G>A on transcript NM_144670.6 (MANE Select); coding-DNA position 1670, G replaced by A.
Protein change: p.Cys557Tyr; replaces cysteine 557 with tyrosine.
Molecular consequence: missense variant.
Genome position (GRCh38, 1-based): chr12:8,846,209, G>A. VCF-style: chr12-8846209-G-A. GRCh37 (hg19) VCF-style: chr12-8998805-G-A.
Other names: c.197G>A, p.Cys66Tyr (NM_001282424.3); short protein forms C557Y, C66Y.
Identifiers: ClinVar variation 5032419 (VCV005032419.1).